The following is an entry in ClinVar:

NM_001486.4(GCKR):c.1337_1338delinsCC (p.Leu446Pro)

Gene: GCKR (glucokinase regulator; plus strand). Cytogenetic location: 2p23.3.
Variant type: Indel.
Coding change: c.1337_1338delinsCC on transcript NM_001486.4 (MANE Select); coding-DNA positions 1337 to 1338, TG replaced by CC.
Protein change: p.Leu446Pro; replaces leucine 446 with proline.
Molecular consequence: missense variant.
Genome position (GRCh38, 1-based): chr2:27,508,073-27,508,074, TG replaced by CC. VCF-style: chr2-27508073-TG-CC. GRCh37 (hg19) VCF-style: chr2-27730940-TG-CC.
Other names: short protein forms L446P.
Identifiers: ClinVar variation 1549832 (VCV001549832.9), dbSNP rs2148586064, ClinGen allele CA2573134442.

ClinVar aggregate classification (germline): Conflicting classifications of pathogenicity. Review status: criteria provided, conflicting classifications (1 of 4 stars). 2 submissions from 2 submitters: Uncertain significance (1); Likely benign (1). Last evaluated 2026-01-14.

Submissions (2):

Labcorp Genetics (formerly Invitae), Labcorp
Classification: Likely benign. Last evaluated: 2026-01-14. Review status: criteria provided, single submitter. Criteria: Invitae Variant Classification Sherloc (09022015). Collection method: clinical testing. Allele origin: germline.

GeneDx
Classification: Uncertain significance. Last evaluated: 2022-09-02. Review status: criteria provided, single submitter. Criteria: GeneDx Variant Classification Process June 2021. Collection method: clinical testing. Allele origin: germline. Affected: yes.
Comment: In-frame deletion/insertion of the last two nucleotides of the exon resulting in a missense substitution; In silico analysis supports a deleterious effect on splicing; Has not been previously published as pathogenic or benign to our knowledge